The following is an entry in ClinVar:

ClinVar aggregate classification (germline): Benign. Review status: criteria provided, multiple submitters, no conflicts (2 of 4 stars). 8 submissions from 7 submitters: Benign (8). Last evaluated 2026-02-02.

Conditions:
LAMB2-related infantile-onset nephrotic syndrome. Also called: Nephrotic Syndrome, type 5; NEPHROTIC SYNDROME, TYPE 5, WITHOUT OCULAR ABNORMALITIES; NEPHROTIC SYNDROME, TYPE 5, WITH OCULAR ABNORMALITIES. Identifiers: Orphanet 306507, MedGen C3280113, MONDO:0013621, OMIM 614199.
Pierson syndrome. Also called: MICROCORIA-CONGENITAL NEPHROTIC SYNDROME. Identifiers: Orphanet 2670, MedGen C1836876, MONDO:0012184, OMIM 609049.

Allele frequency attached by ClinVar (database versions not stated): 1000 Genomes Project 30x 0.05871; 1000 Genomes Project 0.05931; TOPMed 0.07606; gnomAD 0.09080 and 0.09243; ESP Exome Variant Server 0.09457; ExAC 0.10560; gnomAD exomes 0.10865 and 0.11815.
gnomAD v4.1: 186,921 of 1,614,066 alleles (12%); highest among the groups gnomAD compares: Middle Eastern, 16%; 12,496 homozygotes.

Submissions (8):

Labcorp Genetics (formerly Invitae), Labcorp
Classification: Benign for LAMB2-related infantile-onset nephrotic syndrome; Pierson syndrome. Last evaluated: 2026-02-02. Review status: criteria provided, single submitter. Criteria: Invitae Variant Classification Sherloc (09022015). Collection method: clinical testing. Allele origin: germline.

Blueprint Genetics
Classification: Benign. Last evaluated: 2024-11-26. Review status: criteria provided, single submitter. Criteria: ACMG Guidelines, 2015. Collection method: clinical testing. Allele origin: germline.

Mayo Clinic Laboratories, Mayo Clinic
Classification: Benign. Last evaluated: 2022-03-09. Review status: criteria provided, single submitter. Criteria: ACMG Guidelines, 2015. Collection method: clinical testing. Allele origin: germline. Observed: 92 variant alleles.

GeneDx
Classification: Benign. Last evaluated: 2020-02-01. Review status: criteria provided, single submitter. Criteria: GeneDx Variant Classification Process June 2021. Collection method: clinical testing. Allele origin: germline. Affected: yes.

Illumina Laboratory Services, Illumina
Classification: Benign for LAMB2-related infantile-onset nephrotic syndrome. Last evaluated: 2018-01-13. Review status: criteria provided, single submitter. Criteria: ICSL Variant Classification Criteria 13 December 2019. Collection method: clinical testing. Allele origin: germline.
Comment: This variant was observed in the ICSL laboratory as part of a predisposition screen in an ostensibly healthy population. It had not been previously curated by ICSL or reported in the Human Gene Mutation Database (HGMD: prior to June 1st, 2018), and was therefore a candidate for classification through an automated scoring system. Utilizing variant allele frequency, disease prevalence and penetrance estimates, and inheritance mode, an automated score was calculated to assess if this variant is too frequent to cause the disease. Based on the score and internal cut-off values, a variant classified as benign is not then subjected to further curation. The score for this variant resulted in a classification of benign for this disease.

Illumina Laboratory Services, Illumina
Classification: Benign for Pierson syndrome. Last evaluated: 2018-01-13. Review status: criteria provided, single submitter. Criteria: ICSL Variant Classification Criteria 13 December 2019. Collection method: clinical testing. Allele origin: germline.
Comment: the same text as in the submission from Illumina Laboratory Services, Illumina above.

Breakthrough Genomics
Classification: Benign. Review status: criteria provided, single submitter. Criteria: ACMG Guidelines, 2015. Collection method: not provided. Allele origin: germline. Inheritance: Autosomal recessive inheritance. Affected: yes.

PreventionGenetics, part of Exact Sciences
Classification: Benign. Review status: criteria provided, single submitter. Criteria: ACMG Guidelines, 2015. Collection method: clinical testing. Allele origin: germline.

NM_002292.4(LAMB2):c.2959G>A (p.Glu987Lys)

Gene: LAMB2 (laminin subunit beta 2; minus strand). Cytogenetic location: 3p21.31.
Variant type: single nucleotide variant.
Coding change: c.2959G>A on transcript NM_002292.4 (MANE Select); coding-DNA position 2959, G replaced by A.
Protein change: p.Glu987Lys; replaces glutamic acid 987 with lysine.
Molecular consequence: missense variant.
Genome position (GRCh38, 1-based): chr3:49,124,851, C>T on the plus strand (G>A on the coding strand, the complement: LAMB2 is on the minus strand). VCF-style: chr3-49124851-C-T. GRCh37 (hg19) VCF-style: chr3-49162284-C-T.
Other names: short protein forms E987K.
Identifiers: ClinVar variation 258606 (VCV000258606.18), dbSNP rs34759087, ClinGen allele CA2394153.